The following is an entry in ClinVar:

ClinVar aggregate classification (germline): Pathogenic (1 of 4 stars; one submission).

Submission:

GeneDx
Classification: Pathogenic. Last evaluated: 2022-10-03. Review status: criteria provided, single submitter. Criteria: GeneDx Variant Classification Process June 2021. Collection method: clinical testing. Allele origin: germline. Affected: yes.
Comment: Nonsense variant predicted to result in protein truncation or nonsense mediated decay in a gene for which loss of function is a known mechanism of disease; Not observed at significant frequency in large population cohorts (gnomAD); Has not been previously published as pathogenic or benign to our knowledge

NM_020338.4(ZMIZ1):c.2038C>T (p.Gln680Ter)

Gene: ZMIZ1 (zinc finger MIZ-type containing 1; plus strand). Cytogenetic location: 10q22.3.
Variant type: single nucleotide variant.
Coding change: c.2038C>T on transcript NM_020338.4 (MANE Select); coding-DNA position 2038, C replaced by T.
Protein change: p.Gln680Ter; replaces glutamine 680 with a stop codon.
Molecular consequence: nonsense.
Genome position (GRCh38, 1-based): chr10:79,302,125, C>T. VCF-style: chr10-79302125-C-T. GRCh37 (hg19) VCF-style: chr10-81061882-C-T.
Other names: short protein forms Q680*.
Identifiers: ClinVar variation 2446496 (VCV002446496.1), dbSNP rs2492157159, ClinGen allele CA377340400.